The following is an entry in ClinVar:

NM_006939.4(SOS2):c.3344A>G (p.Asn1115Ser)

Gene: SOS2 (SOS Ras/Rho guanine nucleotide exchange factor 2; minus strand). Cytogenetic location: 14q21.3.
Variant type: single nucleotide variant.
Coding change: c.3344A>G on transcript NM_006939.4 (MANE Select); coding-DNA position 3344, A replaced by G.
Protein change: p.Asn1115Ser; replaces asparagine 1115 with serine.
Molecular consequence: missense variant.
Genome position (GRCh38, 1-based): chr14:50,129,996, T>C on the plus strand (A>G on the coding strand, the complement: SOS2 is on the minus strand). VCF-style: chr14-50129996-T-C. GRCh37 (hg19) VCF-style: chr14-50596714-T-C.
Other names: c.3344A>G (NM_006939.2); c.3245A>G, p.Asn1082Ser (NM_001411020.1); short protein forms N1115S, N1082S.
Identifiers: ClinVar variation 2064066 (VCV002064066.5), dbSNP rs2502820680, ClinGen allele CA389640298.
Genomic context (GRCh38, chr14:50,129,996, plus strand): 5'-AAGAATCAACTTAAATTATACTTACTTGAATGTGGCAAAAGCACTGGAGCAAAGATGCTA[T>C]TGCTGCCTATTGGAATAAGAAAAATTAATTTGAAAAGGAAGGTAACATGTAGGTATTATT-3'
Protein context (NP_008870.2, residues 1105-1125): DVDLNSSCGS[Asn1115Ser]SIFAPVLLPH

ClinVar aggregate classification (germline): Uncertain significance. Review status: criteria provided, multiple submitters, no conflicts (2 of 4 stars). 2 submissions from 2 submitters: Uncertain significance (2). Last evaluated 2026-04-27.

Conditions:
Noonan syndrome 9 (NS9). Identifiers: Orphanet 648, MedGen C4225282, MONDO:0014691, OMIM 616559.
Cardiovascular phenotype. Identifiers: MedGen CN230736.

Allele frequency attached by ClinVar (database versions not stated): gnomAD exomes below 0.00001.
gnomAD v4.1: 1 of 1,588,586 alleles (0.000063%); highest among the groups gnomAD compares: Non-Finnish European, 0.000086%; no homozygotes.

Submissions (2):

Ambry Genetics
Classification: Uncertain significance for Cardiovascular phenotype. Last evaluated: 2026-04-27. Review status: criteria provided, single submitter. Criteria: Ambry Variant Classification Scheme 2023. Collection method: clinical testing. Allele origin: germline.
Comment: The p.N1115S variant (also known as c.3344A>G), located in coding exon 21 of the SOS2 gene, results from an A to G substitution at nucleotide position 3344. The asparagine at codon 1115 is replaced by serine, an amino acid with highly similar properties. This amino acid position is conserved. In addition, this alteration is predicted to be tolerated by in silico analysis. Based on the available evidence, the clinical significance of this variant remains unclear.

Labcorp Genetics (formerly Invitae), Labcorp
Classification: Uncertain significance for Noonan syndrome 9. Last evaluated: 2022-07-23. Review status: criteria provided, single submitter. Criteria: Invitae Variant Classification Sherloc (09022015). Collection method: clinical testing. Allele origin: germline.
Comment: In summary, the available evidence is currently insufficient to determine the role of this variant in disease. Therefore, it has been classified as a Variant of Uncertain Significance. Advanced modeling of protein sequence and biophysical properties (such as structural, functional, and spatial information, amino acid conservation, physicochemical variation, residue mobility, and thermodynamic stability) performed at Invitae indicates that this missense variant is not expected to disrupt SOS2 protein function. This variant has not been reported in the literature in individuals affected with SOS2-related conditions. This variant is not present in population databases (gnomAD no frequency). This sequence change replaces asparagine, which is neutral and polar, with serine, which is neutral and polar, at codon 1115 of the SOS2 protein (p.Asn1115Ser).